The following is an entry in ClinVar:

NM_007227.3(GPR45):c.675C>G (p.Asn225Lys)

Gene: GPR45 (G protein-coupled receptor 45; plus strand). Cytogenetic location: 2q12.1.
Variant type: single nucleotide variant.
Coding change: c.675C>G on transcript NM_007227.3 (MANE Select); coding-DNA position 675, C replaced by G.
Protein change: p.Asn225Lys; replaces asparagine 225 with lysine.
Molecular consequence: missense variant.
Genome position (GRCh38, 1-based): chr2:105,242,533, C>G. VCF-style: chr2-105242533-C-G. GRCh37 (hg19) VCF-style: chr2-105858990-C-G.
Other names: short protein forms N225K.
Identifiers: ClinVar variation 1433709 (VCV001433709.9), dbSNP rs200019068, ClinGen allele CA1813634.

ClinVar aggregate classification (germline): Uncertain significance. Review status: criteria provided, multiple submitters, no conflicts (2 of 4 stars). 3 submissions from 3 submitters: Uncertain significance (3). Last evaluated 2025-10-08.

Allele frequency attached by ClinVar (database versions not stated): ESP Exome Variant Server 0.00008; gnomAD exomes 0.00024 and 0.00048; TOPMed 0.00025; ExAC 0.00027; gnomAD 0.00029.

Submissions (3):

Labcorp Genetics (formerly Invitae), Labcorp
Classification: Uncertain significance. Last evaluated: 2025-10-08. Review status: criteria provided, single submitter. Criteria: Invitae Variant Classification Sherloc (09022015). Collection method: clinical testing. Allele origin: germline.
Comment: This sequence change replaces asparagine, which is neutral and polar, with lysine, which is basic and polar, at codon 225 of the GPR45 protein (p.Asn225Lys). This variant is present in population databases (rs200019068, gnomAD 0.04%). This variant has not been reported in the literature in individuals affected with GPR45-related conditions. ClinVar contains an entry for this variant (Variation ID: 1433709). An algorithm developed to predict the effect of missense changes on protein structure and function (PolyPhen-2) suggests that this variant is likely to be tolerated. In summary, the available evidence is currently insufficient to determine the role of this variant in disease. Therefore, it has been classified as a Variant of Uncertain Significance.

Ambry Genetics
Classification: Uncertain significance. Last evaluated: 2024-12-25. Review status: criteria provided, single submitter. Criteria: Ambry Variant Classification Scheme 2023. Collection method: clinical testing. Allele origin: germline.

Breakthrough Genomics
Classification: Uncertain significance. Review status: criteria provided, single submitter. Criteria: ACMG Guidelines, 2015. Collection method: not provided. Allele origin: germline. Inheritance: Unknown mechanism. Affected: yes.